The following is an entry in ClinVar:

NM_001256789.3(CACNA1F):c.3778G>A (p.Val1260Ile)

Gene: CACNA1F (calcium voltage-gated channel subunit alpha1 F; minus strand). Cytogenetic location: Xp11.23.
Variant type: single nucleotide variant.
Coding change: c.3778G>A on transcript NM_001256789.3 (MANE Select); coding-DNA position 3778, G replaced by A.
Protein change: p.Val1260Ile; replaces valine 1260 with isoleucine.
Molecular consequence: missense variant.
Genome position (GRCh38, 1-based): chrX:49,213,833, C>T on the plus strand (G>A on the coding strand, the complement: CACNA1F is on the minus strand). VCF-style: chrX-49213833-C-T. GRCh37 (hg19) VCF-style: chrX-49070293-C-T.
Other names: c.3616G>A, p.Val1206Ile (NM_001256790.3); c.3811G>A, p.Val1271Ile (NM_005183.4); short protein forms V1271I, V1206I, V1260I.
Identifiers: ClinVar variation 3020936 (VCV003020936.3), dbSNP rs782409664, ClinGen allele CA10410376.
Genomic context (GRCh38, chrX:49,213,833, plus strand): 5'-AAGGTGTATAGGGCGAGAGTGGATTAGTGGAAAGGCCAGTTCTCACATTGACTTCAGTGA[C>T]GGCAATATCCACTATGCTGCCCACCACAATAAGAGCGTCAAACGTGTTCCAGGCATCAGT-3'
Protein context (NP_001243718.1, residues 1250-1270): IVVGSIVDIA[Val1260Ile]TEVNNGGHLG

ClinVar aggregate classification (germline): Uncertain significance (1 of 4 stars; one submission).

Allele frequency attached by ClinVar (database versions not stated): gnomAD 0.00001; gnomAD exomes 0.00001; TOPMed 0.00002; ExAC 0.00004.
gnomAD v4.1: 10 of 1,190,507 alleles (0.00084%); highest among the groups gnomAD compares: South Asian, 0.0071%; no homozygotes.

Submission:

Labcorp Genetics (formerly Invitae), Labcorp
Classification: Uncertain significance. Last evaluated: 2024-04-16. Review status: criteria provided, single submitter. Criteria: Invitae Variant Classification Sherloc (09022015). Collection method: clinical testing. Allele origin: germline.
Comment: This sequence change replaces valine, which is neutral and non-polar, with isoleucine, which is neutral and non-polar, at codon 1271 of the CACNA1F protein (p.Val1271Ile). This variant is present in population databases (rs782409664, gnomAD 0.02%). This variant has not been reported in the literature in individuals affected with CACNA1F-related conditions. Advanced modeling of protein sequence and biophysical properties (such as structural, functional, and spatial information, amino acid conservation, physicochemical variation, residue mobility, and thermodynamic stability) performed at Invitae indicates that this missense variant is not expected to disrupt CACNA1F protein function with a negative predictive value of 80%. In summary, the available evidence is currently insufficient to determine the role of this variant in disease. Therefore, it has been classified as a Variant of Uncertain Significance.